The following is an entry in ClinVar:

NM_002202.3(ISL1):c.102G>A (p.Pro34=)

Gene: ISL1 (ISL LIM homeobox 1; plus strand). Cytogenetic location: 5q11.1.
Variant type: single nucleotide variant.
Coding change: c.102G>A on transcript NM_002202.3 (MANE Select); coding-DNA position 102, G replaced by A.
Protein change: p.Pro34=; no amino-acid change (proline 34 retained).
Molecular consequence: synonymous variant.
Genome position (GRCh38, 1-based): chr5:51,384,614, G>A. VCF-style: chr5-51384614-G-A. GRCh37 (hg19) VCF-style: chr5-50680448-G-A.
Identifiers: ClinVar variation 3356839 (VCV003356839.1).

ClinVar aggregate classification (germline): Likely benign (0 of 4 stars; one submission).

Conditions:
ISL1-related disorder. Also called: ISL1-related condition.

gnomAD v4.1: 4 of 1,614,106 alleles (0.00025%); highest among the groups gnomAD compares: South Asian, 0.0033%; no homozygotes.

Submission:

PreventionGenetics, part of Exact Sciences
Classification: Likely benign for ISL1-related condition. Last evaluated: 2024-06-28. Review status: no assertion criteria provided. Collection method: clinical testing. Allele origin: germline.
Comment: This variant is classified as likely benign based on ACMG/AMP sequence variant interpretation guidelines (Richards et al. 2015 PMID: 25741868, with internal and published modifications).